The following is an entry in ClinVar:

NM_032040.5(CCDC8):c.1057del (p.Ala353fs)

Gene: CCDC8 (coiled-coil domain containing 8 subunit of 3M complex; minus strand). Cytogenetic location: 19q13.32.
Variant type: Deletion.
Coding change: c.1057del on transcript NM_032040.5 (MANE Select); coding-DNA position 1057, one base deleted (G; older notation c.1057delG).
Protein change: p.Ala353fs; shifts the reading frame from alanine 353.
Molecular consequence: frameshift variant.
Genome position (GRCh38, 1-based): chr19:46,411,754, C deleted on the plus strand (G on the coding strand, the reverse complement: CCDC8 is on the minus strand); the first of 5 consecutive C bases (chr19:46,411,754-46,411,758); deleting any one gives the same sequence. VCF-style (leftmost placement, unchanged base first): chr19-46411753-GC-G. GRCh37 (hg19) VCF-style: chr19-46915010-GC-G.
Other names: short protein forms A353fs.
Identifiers: ClinVar variation 3374708 (VCV003374708.2).

ClinVar aggregate classification (germline): Likely pathogenic (1 of 4 stars; one submission).

Conditions:
3M syndrome 3. Also called: THREE M SYNDROME 3; 3-M Syndrome, CCDC8-Related. Identifiers: Orphanet 2616, MedGen C3280146, MONDO:0013627, OMIM 614205.

Submission:

Molecular Genetics Laboratory, Motol Hospital
Classification: Likely pathogenic for 3M syndrome 3. Last evaluated: 2024-11-06. Review status: criteria provided, single submitter. Criteria: ACMG Guidelines, 2015. Collection method: clinical testing. Allele origin: germline. Affected: yes. Observed: 1 variant allele.
Comment: The variant was supposed to be biparentally inherited, however, parental samples are not available for genetic testing. Rare truncating variants affecting the CCDC8 gene are well documented as a molecular cause of 3-M syndrome 3 (OMIM:614205) (PPMID:22325252;21737058;28675896). To conclude, the variant is classified as likely pathogenic (ACMG PVS1, PM2).

Literature cited by the submitters: PubMed 22325252; PubMed 21737058; PubMed 28675896.